The following is an entry in ClinVar:

NM_002470.4(MYH3):c.1472A>C (p.Asn491Thr)

Gene: MYH3 (myosin heavy chain 3; minus strand). Cytogenetic location: 17p13.1.
Variant type: single nucleotide variant.
Coding change: c.1472A>C on transcript NM_002470.4 (MANE Select); coding-DNA position 1472, A replaced by C.
Protein change: p.Asn491Thr; replaces asparagine 491 with threonine.
Molecular consequence: missense variant.
Genome position (GRCh38, 1-based): chr17:10,642,935, T>G on the plus strand (A>C on the coding strand, the complement: MYH3 is on the minus strand). VCF-style: chr17-10642935-T-G. GRCh37 (hg19) VCF-style: chr17-10546252-T-G.
Other names: short protein forms N491T.
Identifiers: ClinVar variation 2632798 (VCV002632798.1), dbSNP rs2508614089, ClinGen allele CA398172868.

ClinVar aggregate classification (germline): Uncertain significance (1 of 4 stars; one submission).

Conditions:
MYH3-related disorder. Also called: MYH3-Related Disorders; MYH3-related condition. Identifiers: MedGen CN239329.

Submission:

PreventionGenetics, part of Exact Sciences
Classification: Uncertain significance for MYH3-related condition. Last evaluated: 2023-04-17. Review status: criteria provided, single submitter. Criteria: ACMG Guidelines, 2015. Collection method: clinical testing. Allele origin: germline.
Comment: The MYH3 c.1472A>C variant is predicted to result in the amino acid substitution p.Asn491Thr. To our knowledge, this variant has not been reported in the literature or in a large population database, indicating this variant is rare. At this time, the clinical significance of this variant is uncertain due to the absence of conclusive functional and genetic evidence.